The following is an entry in ClinVar:

ClinVar aggregate classification (germline): Uncertain significance (1 of 4 stars; one submission).

gnomAD v4.1: 1 of 1,614,158 alleles (0.000062%); highest among the groups gnomAD compares: South Asian, 0.0011%; no homozygotes.

Submission:

Labcorp Genetics (formerly Invitae), Labcorp
Classification: Uncertain significance. Last evaluated: 2025-11-10. Review status: criteria provided, single submitter. Criteria: Invitae Variant Classification Sherloc (09022015). Collection method: clinical testing. Allele origin: germline.
Comment: This sequence change replaces arginine, which is basic and polar, with glycine, which is neutral and non-polar, at codon 940 of the HSPG2 protein (p.Arg940Gly). This variant is not present in population databases (gnomAD no frequency). This variant has not been reported in the literature in individuals affected with HSPG2-related conditions. ClinVar contains an entry for this variant (Variation ID: 2142222). An algorithm developed to predict the effect of missense changes on protein structure and function (PolyPhen-2) suggests that this variant is likely to be disruptive. In summary, the available evidence is currently insufficient to determine the role of this variant in disease. Therefore, it has been classified as a Variant of Uncertain Significance.

NM_005529.7(HSPG2):c.2818C>G (p.Arg940Gly)

Gene: HSPG2 (heparan sulfate proteoglycan 2; minus strand). Cytogenetic location: 1p36.12.
Variant type: single nucleotide variant.
Coding change: c.2818C>G on transcript NM_005529.7 (MANE Select); coding-DNA position 2818, C replaced by G.
Protein change: p.Arg940Gly; replaces arginine 940 with glycine.
Molecular consequence: missense variant.
Genome position (GRCh38, 1-based): chr1:21,876,520, G>C on the plus strand (C>G on the coding strand, the complement: HSPG2 is on the minus strand). VCF-style: chr1-21876520-G-C. GRCh37 (hg19) VCF-style: chr1-22203013-G-C.
Other names: c.2821C>G, p.Arg941Gly (NM_001291860.2); short protein forms R940G, R941G.
Identifiers: ClinVar variation 2142222 (VCV002142222.4), dbSNP rs1448051985, ClinGen allele CA338963215.